The following is an entry in ClinVar:

NM_002473.6(MYH9):c.4406C>T (p.Ala1469Val)

Gene: MYH9 (myosin heavy chain 9; minus strand). Cytogenetic location: 22q12.3.
Variant type: single nucleotide variant.
Coding change: c.4406C>T on transcript NM_002473.6 (MANE Select); coding-DNA position 4406, C replaced by T.
Protein change: p.Ala1469Val; replaces alanine 1469 with valine.
Molecular consequence: missense variant.
Genome position (GRCh38, 1-based): chr22:36,289,236, G>A on the plus strand (C>T on the coding strand, the complement: MYH9 is on the minus strand). VCF-style: chr22-36289236-G-A. GRCh37 (hg19) VCF-style: chr22-36685282-G-A.
Other names: short protein forms A1469V.
Identifiers: ClinVar variation 1707043 (VCV001707043.32), dbSNP rs557967677, ClinGen allele CA10209365.

ClinVar aggregate classification (germline): Conflicting classifications of pathogenicity. Review status: criteria provided, conflicting classifications (1 of 4 stars). 4 submissions from 4 submitters: Uncertain significance (2); Likely benign (2). Last evaluated 2025-12-03.

Conditions:
Macrothrombocytopenia and granulocyte inclusions with or without nephritis or sensorineural hearing loss (MATINS). Also called: SEBASTIAN PLATELET SYNDROME; MACROTHROMBOCYTOPENIA WITH DISPERSED LEUKOCYTIC INCLUSIONS; MACROTHROMBOCYTOPENIA, NEPHRITIS, AND DEAFNESS; MACROTHROMBOCYTOPENIA, NEPHRITIS, DEAFNESS, AND LEUKOCYTE INCLUSIONS; ALPORT SYNDROME WITH MACROTHROMBOCYTOPENIA; Fechtner syndrome. Identifiers: Orphanet 182050, MedGen C5200934, MONDO:0015912, OMIM 155100.
Autosomal dominant nonsyndromic hearing loss 17. Also called: Deafness, autosomal dominant 17; Autosomal dominant nonsyndromic deafness 17. Identifiers: Orphanet 90635, MedGen C1863659, MONDO:0011350, OMIM 603622.

Allele frequency attached by ClinVar (database versions not stated): gnomAD 0.00003; TOPMed 0.00004; ExAC 0.00006; 1000 Genomes Project 30x 0.00016; 1000 Genomes Project 0.00020.
gnomAD v4.1: 57 of 1,612,892 alleles (0.0035%); highest among the groups gnomAD compares: East Asian, 0.02%; no homozygotes.

Submissions (4):

GeneDx
Classification: Uncertain significance. Last evaluated: 2025-12-03. Review status: criteria provided, single submitter. Criteria: GeneDx Variant Classification Process June 2021. Collection method: clinical testing. Allele origin: germline. Affected: yes.
Comment: In silico analysis supports that this missense variant has a deleterious effect on protein structure/function; Has not been previously published as pathogenic or benign to our knowledge

Labcorp Genetics (formerly Invitae), Labcorp
Classification: Likely benign. Last evaluated: 2025-04-17. Review status: criteria provided, single submitter. Criteria: Invitae Variant Classification Sherloc (09022015). Collection method: clinical testing. Allele origin: germline.

Fulgent Genetics
Classification: Uncertain significance for Macrothrombocytopenia and granulocyte inclusions with or without nephritis or sensorineural hearing loss; Autosomal dominant nonsyndromic hearing loss 17. Last evaluated: 2024-02-09. Review status: criteria provided, single submitter. Criteria: ACMG Guidelines, 2015. Collection method: clinical testing. Allele origin: germline.

CeGaT Center for Human Genetics Tuebingen
Classification: Likely benign. Last evaluated: 2022-11-01. Review status: criteria provided, single submitter. Criteria: CeGaT Center For Human Genetics Tuebingen Variant Classification Criteria Version 2. Collection method: clinical testing. Allele origin: germline. Affected: yes. Observed: 1 variant allele.
Comment: MYH9: PP2, BS2